The following is an entry in ClinVar:

ClinVar aggregate classification (germline): Uncertain significance (1 of 4 stars; one submission).

Allele frequency attached by ClinVar (database versions not stated): gnomAD exomes below 0.00001; ExAC 0.00001.
gnomAD v4.1: 1 of 1,587,686 alleles (0.000063%); highest among the groups gnomAD compares: African/African-American, 0.0014%; no homozygotes.

Submission:

Labcorp Genetics (formerly Invitae), Labcorp
Classification: Uncertain significance. Last evaluated: 2023-12-04. Review status: criteria provided, single submitter. Criteria: Invitae Variant Classification Sherloc (09022015). Collection method: clinical testing. Allele origin: germline.
Comment: This sequence change replaces isoleucine, which is neutral and non-polar, with valine, which is neutral and non-polar, at codon 450 of the CCT2 protein (p.Ile450Val). This variant is present in population databases (rs746543261, gnomAD 0.007%). This variant has not been reported in the literature in individuals affected with CCT2-related conditions. An algorithm developed to predict the effect of missense changes on protein structure and function (PolyPhen-2) suggests that this variant is likely to be tolerated. In summary, the available evidence is currently insufficient to determine the role of this variant in disease. Therefore, it has been classified as a Variant of Uncertain Significance.

NM_006431.3(CCT2):c.1348A>G (p.Ile450Val)

Gene: CCT2 (chaperonin containing TCP1 subunit 2; plus strand). Cytogenetic location: 12q15.
Variant type: single nucleotide variant.
Coding change: c.1348A>G on transcript NM_006431.3 (MANE Select); coding-DNA position 1348, A replaced by G.
Protein change: p.Ile450Val; replaces isoleucine 450 with valine.
Molecular consequence: missense variant.
Genome position (GRCh38, 1-based): chr12:69,598,334, A>G. VCF-style: chr12-69598334-A-G. GRCh37 (hg19) VCF-style: chr12-69992114-A-G.
Other names: c.1207A>G, p.Ile403Val (NM_001198842.2); short protein forms I403V, I450V.
Identifiers: ClinVar variation 3008083 (VCV003008083.3), dbSNP rs746543261, ClinGen allele CA6680850.